The following is an entry in ClinVar:

NM_001267550.2(TTN):c.82179A>G (p.Pro27393=)

Genes: TTN-AS1 (TTN antisense RNA 1; plus strand), TTN (titin; minus strand). Cytogenetic location: 2q31.2.
Variant type: single nucleotide variant.
Coding change: c.82179A>G on transcript NM_001267550.2 (MANE Select); coding-DNA position 82179, A replaced by G.
Protein change: p.Pro27393=; no amino-acid change (proline 27393 retained).
Molecular consequence: synonymous variant.
Genome position (GRCh38, 1-based): chr2:178,563,953, T>C on the plus strand (A>G on the coding strand, the complement: TTN is on the minus strand). VCF-style: chr2-178563953-T-C. GRCh37 (hg19) VCF-style: chr2-179428680-T-C.
Other names: c.77256A>G, p.Pro25752= (NM_001256850.1); c.54984A>G, p.Pro18328= (NM_003319.4); c.74475A>G, p.Pro24825= (NM_133378.4); c.55359A>G, p.Pro18453= (NM_133432.3); c.55560A>G, p.Pro18520= (NM_133437.4).
Identifiers: ClinVar variation 467542 (VCV000467542.11), dbSNP rs757171629, ClinGen allele CA1989108.
Genomic context (GRCh38, chr2:178,563,953, plus strand): 5'-GCTTGTCTCCCTCTTTTCAATGATGTAATGTGAAATATTAGCACCACCATCTTGCAAAGG[T>C]GGGTTCCATGCCAGGTAACATTTTTCCGCAGTAACTCCAGTAACTTTCAGAGGCCCTTCA-3'
Protein context (NP_001254479.2, residues 27383-27403): TAEKCYLAWN[Pro27393=]PLQDGGANIS

ClinVar aggregate classification (germline): Likely benign. Review status: criteria provided, multiple submitters, no conflicts (2 of 4 stars). 3 submissions from 3 submitters: Likely benign (3). Last evaluated 2025-12-26.

Conditions:
Autosomal recessive limb-girdle muscular dystrophy type 2J (LGMDR10). Also called: Limb-girdle muscular dystrophy, type 2J; MUSCULAR DYSTROPHY, LIMB-GIRDLE, AUTOSOMAL RECESSIVE 10. Identifiers: Orphanet 140922, MedGen C1837342, MONDO:0012127, OMIM 608807.
Dilated cardiomyopathy 1G (CMD1G). Identifiers: Orphanet 154, MedGen C1858763, MONDO:0011400, OMIM 604145.
TTN-related disorder. Also called: TTN-related condition; TTN-related disease; TTN-related disorders.
Cardiovascular phenotype. Identifiers: MedGen CN230736.

Allele frequency attached by ClinVar (database versions not stated): gnomAD exomes 0.00001 and 0.00004; ExAC 0.00007.
gnomAD v4.1: 21 of 1,613,670 alleles (0.0013%); highest among the groups gnomAD compares: Non-Finnish European, 0.0016%; no homozygotes.

Submissions (3):

Ambry Genetics
Classification: Likely benign for Cardiovascular phenotype. Last evaluated: 2025-12-26. Review status: criteria provided, single submitter. Criteria: Ambry Variant Classification Scheme 2023. Collection method: clinical testing. Allele origin: germline.

PreventionGenetics, part of Exact Sciences
Classification: Likely benign for TTN-related condition. Last evaluated: 2025-08-12. Review status: criteria provided, single submitter. Criteria: ACMG Guidelines, 2015. Collection method: clinical testing. Allele origin: germline.
Comment: This variant is classified as likely benign based on ACMG/AMP sequence variant interpretation guidelines (Richards et al. 2015 PMID: 25741868, with internal and published modifications).

Labcorp Genetics (formerly Invitae), Labcorp
Classification: Likely benign for Dilated cardiomyopathy 1G; Autosomal recessive limb-girdle muscular dystrophy type 2J. Last evaluated: 2024-04-14. Review status: criteria provided, single submitter. Criteria: Invitae Variant Classification Sherloc (09022015). Collection method: clinical testing. Allele origin: germline.